The following is an entry in ClinVar:

NM_020831.6(MRTFA):c.1650G>A (p.Thr550=)

Gene: MRTFA (myocardin related transcription factor A; minus strand). Cytogenetic location: 22q13.1.
Variant type: single nucleotide variant.
Coding change: c.1650G>A on transcript NM_020831.6 (MANE Select); coding-DNA position 1650, G replaced by A.
Protein change: p.Thr550=; no amino-acid change (threonine 550 retained).
Molecular consequence: synonymous variant.
Genome position (GRCh38, 1-based): chr22:40,419,088, C>T on the plus strand (G>A on the coding strand, the complement: MRTFA is on the minus strand). VCF-style: chr22-40419088-C-T. GRCh37 (hg19) VCF-style: chr22-40815092-C-T.
Other names: c.1350G>A, p.Thr450= (NM_001282660.2); c.1500G>A, p.Thr500= (NM_001282661.3); c.1650G>A, p.Thr550= (NM_001282662.3); c.1455G>A, p.Thr485= (NM_001318139.2); c.1350G>A (NM_020831.4).
Identifiers: ClinVar variation 1683061 (VCV001683061.10), dbSNP rs142878790, ClinGen allele CA10249610.

ClinVar aggregate classification (germline): Likely benign. Review status: criteria provided, single submitter (1 of 4 stars). 2 submissions from 2 submitters: Likely benign (1). 1 of the submissions does not count toward it. Last evaluated 2025-12-29.

Conditions:
MRTFA-related disorder. Also called: MRTFA-related condition.

Allele frequency attached by ClinVar (database versions not stated): gnomAD 0.00002 and 0.00005; ESP Exome Variant Server 0.00023; 1000 Genomes Project 30x 0.00031.

Submissions (2):

Labcorp Genetics (formerly Invitae), Labcorp
Classification: Likely benign. Last evaluated: 2025-12-29. Review status: criteria provided, single submitter. Criteria: Invitae Variant Classification Sherloc (09022015). Collection method: clinical testing. Allele origin: germline.

PreventionGenetics, part of Exact Sciences
Classification: Likely benign for MRTFA-related condition. Last evaluated: 2019-02-21. Review status: no assertion criteria provided. Collection method: clinical testing. Allele origin: germline. Not counted in ClinVar's aggregate classification.
Comment: This variant is classified as likely benign based on ACMG/AMP sequence variant interpretation guidelines (Richards et al. 2015 PMID: 25741868, with internal and published modifications).